The following is an entry in ClinVar:

ClinVar aggregate classification (germline): Conflicting classifications of pathogenicity. Review status: criteria provided, conflicting classifications (1 of 4 stars). 3 submissions from 3 submitters: Uncertain significance (2); Likely benign (1). Last evaluated 2026-06-03.

Conditions:
Primary ciliary dyskinesia. Also called: Ciliary dyskinesia. Identifiers: Orphanet 244, MedGen C0008780, MONDO:0016575, HP:0012265.
Joubert syndrome. Also called: JOUBERT-BOLTSHAUSER SYNDROME; Familial aplasia of the vermis. Identifiers: Orphanet 475, MedGen C5979921, MONDO:0018772.
Orofaciodigital syndrome I (OFD1). Also called: OFDS I; Papillon-Leage and Psaume Syndrome; Oral-Facial-Digital Syndrome Type I. Identifiers: Orphanet 2750, MedGen C1510460, MONDO:0010702, OMIM 311200.
Simpson-Golabi-Behmel syndrome type 2. Identifiers: Orphanet 79022, MedGen C1846175, MONDO:0010265, OMIM 300209.
Joubert syndrome 10 (JBTS10). Identifiers: Orphanet 2754, MedGen C2749019, MONDO:0010431, OMIM 300804.
Retinitis pigmentosa 23 (RP23). Identifiers: Orphanet 791, MedGen C1419610, MONDO:0010320, OMIM 300424.

Allele frequency attached by ClinVar (database versions not stated): gnomAD exomes below 0.00001; ExAC 0.00001; gnomAD 0.00001.
gnomAD v4.1: 4 of 1,154,851 alleles (0.00035%); highest among the groups gnomAD compares: East Asian, 0.0094%; no homozygotes.

Submissions (3):

Ambry Genetics
Classification: Likely benign for Primary ciliary dyskinesia. Last evaluated: 2026-06-03. Review status: criteria provided, single submitter. Criteria: Ambry Variant Classification Scheme 2023. Collection method: clinical testing. Allele origin: germline.

Labcorp Genetics (formerly Invitae), Labcorp
Classification: Uncertain significance for Orofaciodigital syndrome I; Joubert syndrome. Last evaluated: 2024-10-29. Review status: criteria provided, single submitter. Criteria: Invitae Variant Classification Sherloc (09022015). Collection method: clinical testing. Allele origin: germline.
Comment: This sequence change replaces glutamine, which is neutral and polar, with arginine, which is basic and polar, at codon 870 of the OFD1 protein (p.Gln870Arg). This variant is present in population databases (rs758641332, gnomAD 0.008%). This variant has not been reported in the literature in individuals affected with OFD1-related conditions. ClinVar contains an entry for this variant (Variation ID: 2389322). Invitae Evidence Modeling of protein sequence and biophysical properties (such as structural, functional, and spatial information, amino acid conservation, physicochemical variation, residue mobility, and thermodynamic stability) indicates that this missense variant is not expected to disrupt OFD1 protein function with a negative predictive value of 80%. In summary, the available evidence is currently insufficient to determine the role of this variant in disease. Therefore, it has been classified as a Variant of Uncertain Significance.

Fulgent Genetics
Classification: Uncertain significance for Simpson-Golabi-Behmel syndrome type 2; Retinitis pigmentosa 23; Joubert syndrome 10; Orofaciodigital syndrome I. Last evaluated: 2024-04-11. Review status: criteria provided, single submitter. Criteria: ACMG Guidelines, 2015. Collection method: clinical testing. Allele origin: germline.

NM_003611.3(OFD1):c.2609A>G (p.Gln870Arg)

Gene: OFD1 (OFD1 centriole and centriolar satellite protein; plus strand). Cytogenetic location: Xp22.2.
Variant type: single nucleotide variant.
Coding change: c.2609A>G on transcript NM_003611.3 (MANE Select); coding-DNA position 2609, A replaced by G.
Protein change: p.Gln870Arg; replaces glutamine 870 with arginine.
Molecular consequence: missense variant.
Genome position (GRCh38, 1-based): chrX:13,767,136, A>G. VCF-style: chrX-13767136-A-G. GRCh37 (hg19) VCF-style: chrX-13785255-A-G.
Other names: c.2489A>G, p.Gln830Arg (NM_001330209.2); c.2189A>G, p.Gln730Arg (NM_001330210.2); short protein forms Q730R, Q870R, Q830R.
Identifiers: ClinVar variation 2389322 (VCV002389322.7), dbSNP rs758641332, ClinGen allele CA10352057.
Genomic context (GRCh38, chrX:13,767,136, plus strand): 5'-CATTTGAATAATCTGATACTGGAAGCTACTCTTTATTTTCTGTCCTATTAGGTGTAGATC[A>G]GAAACAAATTGAAGAACAAAAGGAAGAAGAAAAAATACGGGAACAGCAAGTGAAAGAACG-3'
Protein context (NP_003602.1, residues 860-880): PLSYQHPSVD[Gln870Arg]KQIEEQKEEE